The following is an entry in ClinVar:

ClinVar aggregate classification (germline): Uncertain significance. Review status: criteria provided, multiple submitters, no conflicts (2 of 4 stars). 8 submissions from 8 submitters: Uncertain significance (6). 2 of the submissions do not count toward it. Last evaluated 2025-12-29.

Conditions:
Wilson disease (WND). Also called: Wilson's disease. Identifiers: Orphanet 905, MedGen C0019202, MONDO:0010200, OMIM 277900. Disease mechanism: loss of function.

Allele frequency attached by ClinVar (database versions not stated): TOPMed 0.00005; gnomAD 0.00016.
gnomAD v4.1: 106 of 1,614,092 alleles (0.0066%); highest among the groups gnomAD compares: South Asian, 0.038%; 1 homozygote.

Submissions (8):

Labcorp Genetics (formerly Invitae), Labcorp
Classification: Uncertain significance for Wilson disease. Last evaluated: 2025-12-29. Review status: criteria provided, single submitter. Criteria: Invitae Variant Classification Sherloc (09022015). Collection method: clinical testing. Allele origin: germline.
Comment: This sequence change replaces arginine, which is basic and polar, with tryptophan, which is neutral and slightly polar, at codon 136 of the ATP7B protein (p.Arg136Trp). This variant is present in population databases (rs557577836, gnomAD 0.03%). This missense change has been observed in individual(s) with Wilson disease (PMID: 23518715). ClinVar contains an entry for this variant (Variation ID: 555735). Invitae Evidence Modeling of protein sequence and biophysical properties (such as structural, functional, and spatial information, amino acid conservation, physicochemical variation, residue mobility, and thermodynamic stability) has been performed for this missense variant. However, the output from this modeling did not meet the statistical confidence thresholds required to predict the impact of this variant on ATP7B protein function. In summary, the available evidence is currently insufficient to determine the role of this variant in disease. Therefore, it has been classified as a Variant of Uncertain Significance.

Women's Health and Genetics/Laboratory Corporation of America, LabCorp
Classification: Uncertain significance. Last evaluated: 2025-07-07. Review status: criteria provided, single submitter. Criteria: LabCorp Variant Classification Summary - May 2015. Collection method: clinical testing. Allele origin: germline.
Comment: Variant summary: ATP7B c.406A>T (p.Arg136Trp) results in a non-conservative amino acid change in the encoded protein sequence. Algorithms developed to predict the effect of missense changes on protein structure and function are either unavailable or do not agree on the potential impact of this missense change. The variant allele was found at a frequency of 6.8e-05 in 249348 control chromosomes (gnomAD). This frequency is not significantly higher than estimated for a pathogenic variant in ATP7B causing Wilson Disease (6.8e-05 vs 0.0054), allowing no conclusion about variant significance. To our knowledge, no occurrence of c.406A>T in individuals affected with Wilson Disease and no experimental evidence demonstrating its impact on protein function have been reported. ClinVar contains an entry for this variant (Variation ID: 555735). Based on the evidence outlined above, the variant was classified as uncertain significance.

All of Us Research Program, National Institutes of Health
Classification: Uncertain significance for Wilson disease. Last evaluated: 2023-12-18. Review status: criteria provided, single submitter. Criteria: ACMG Guidelines, 2015. Collection method: clinical testing. Allele origin: germline. Inheritance: Autosomal recessive inheritance. Observed: 18 variant alleles, 18 heterozygotes.
Comment: This missense variant replaces arginine with tryptophan at codon 136 of the ATP7B protein. Computational prediction suggests that this variant may not impact protein structure and function (internally defined REVEL score threshold <= 0.5, PMID: 27666373). To our knowledge, functional studies have not been reported for this variant. This variant has not been reported in individuals affected with ATP7B-related disorders in the literature. This variant has been identified in 22/280732 chromosomes in the general population by the Genome Aggregation Database (gnomAD). The available evidence is insufficient to determine the role of this variant in disease conclusively. Therefore, this variant is classified as a Variant of Uncertain Significance.

This study involves interpretation of variants in research participants for the purpose of population health screening. Participant phenotype was not available at the time of variant classification. Additional details can be found in publication PMID: 35346344, PMCID: PMC8962531

Mayo Clinic Laboratories, Mayo Clinic
Classification: Uncertain significance. Last evaluated: 2023-07-08. Review status: criteria provided, single submitter. Criteria: ACMG Guidelines, 2015. Collection method: clinical testing. Allele origin: germline. Observed: 1 variant allele.
Comment: PM2_moderate

Color Diagnostics, LLC DBA Color Health
Classification: Uncertain significance for Wilson disease. Last evaluated: 2023-02-14. Review status: criteria provided, single submitter. Criteria: ACMG Guidelines, 2015. Collection method: clinical testing. Allele origin: germline.
Comment: This missense variant replaces arginine with tryptophan at codon 136 of the ATP7B protein. Computational prediction suggests that this variant may not impact protein structure and function (internally defined REVEL score threshold <= 0.5, PMID: 27666373). To our knowledge, functional studies have not been reported for this variant. This variant has not been reported in individuals affected with ATP7B-related disorders in the literature. This variant has been identified in 22/280732 chromosomes in the general population by the Genome Aggregation Database (gnomAD). The available evidence is insufficient to determine the role of this variant in disease conclusively. Therefore, this variant is classified as a Variant of Uncertain Significance.

Genome-Nilou Lab
Classification: Uncertain significance for Wilson disease. Last evaluated: 2021-09-05. Review status: criteria provided, single submitter. Criteria: ACMG Guidelines, 2015. Collection method: clinical testing. Allele origin: germline. Affected: no.

Natera, Inc.
Classification: Uncertain significance for Wilson disease. Last evaluated: 2020-09-16. Review status: no assertion criteria provided. Collection method: clinical testing. Allele origin: germline. Not counted in ClinVar's aggregate classification.

Counsyl
Classification: Uncertain significance for Wilson disease. Last evaluated: 2017-12-28. Review status: no assertion criteria provided. Collection method: clinical testing. Allele origin: unknown. Not counted in ClinVar's aggregate classification.

Literature cited by the submitters: PubMed 23518715 (cited by 4 submitters); PubMed 39502306 (cited by Women's Health and Genetics/Laboratory Corporation of America, LabCorp).

NM_000053.4(ATP7B):c.406A>T (p.Arg136Trp)

Gene: ATP7B (ATPase copper transporting beta; minus strand). Cytogenetic location: 13q14.3.
Variant type: single nucleotide variant.
Coding change: c.406A>T on transcript NM_000053.4 (MANE Select); coding-DNA position 406, A replaced by T.
Protein change: p.Arg136Trp; replaces arginine 136 with tryptophan.
Molecular consequence: missense variant.
Genome position (GRCh38, 1-based): chr13:51,974,814, T>A on the plus strand (A>T on the coding strand, the complement: ATP7B is on the minus strand). VCF-style: chr13-51974814-T-A. GRCh37 (hg19) VCF-style: chr13-52548950-T-A.
Other names: p.Arg136Trp; c.406A>T, p.Arg136Trp (NM_001005918.3, NM_001243182.2, NM_001330578.2 and 1 more transcripts); short protein forms R136W.
Identifiers: ClinVar variation 555735 (VCV000555735.26), dbSNP rs557577836, ClinGen allele CA6989569.